The following is an entry in ClinVar:

ClinVar aggregate classification (germline): Uncertain significance (1 of 4 stars; one submission).

Conditions:
Clark-Baraitser syndrome. Also called: BARAITSER SYNDROME; Mental retardation, tall stature, obesity, macrocephaly and typical facial features; Intellectual disability, autosomal dominant 49; MENTAL RETARDATION, AUTOSOMAL DOMINANT 49. Identifiers: Orphanet 600731, MedGen C2931130, MONDO:0030914, OMIM 617752.

Submission:

Neuberg Centre For Genomic Medicine, NCGM
Classification: Uncertain significance for Clark-Baraitser syndrome. Review status: criteria provided, single submitter. Criteria: ACMG Guidelines, 2015. Collection method: clinical testing. Allele origin: germline. Inheritance: Autosomal dominant inheritance. Affected: yes.
Comment: The observed missense c.1439G>C(p.Gly480Ala) variant in TRIP12 gene has not been reported previously as a pathogenic variant nor a benign variant, to our knowledge. The p.Gly480Ala variant is absent in gnomAD Exomes. This variant has not been submitted to the ClinVar database. Multiple lines of computational evidences (Polyphen - Possibly damaging, SIFT - Tolerated and MutationTaster - Disease causing) predict conflicting evidence on protein structure and function for this variant. The reference amino acid change at this position on TRIP12 gene is predicted as conserved by GERP++ and PhyloP across 100 vertebrates. The amino acid Gly at position 480 is changed to a Ala changing protein sequence and it might alter its composition and physico-chemical properties. For these reasons, this variant has been classified as a Variant of Uncertain Significance (VUS).

NM_001348323.3(TRIP12):c.1439G>C (p.Gly480Ala)

Gene: TRIP12 (thyroid hormone receptor interactor 12; minus strand). Cytogenetic location: 2q36.3.
Variant type: single nucleotide variant.
Coding change: c.1439G>C on transcript NM_001348323.3 (MANE Select); coding-DNA position 1439, G replaced by C.
Protein change: p.Gly480Ala; replaces glycine 480 with alanine.
Molecular consequence: missense variant.
Genome position (GRCh38, 1-based): chr2:229,829,204, C>G on the plus strand (G>C on the coding strand, the complement: TRIP12 is on the minus strand). VCF-style: chr2-229829204-C-G. GRCh37 (hg19) VCF-style: chr2-230693920-C-G.
Other names: c.1439G>C, p.Gly480Ala (NM_001284214.2, NM_001348315.2, NM_001348319.1 and 11 more transcripts); c.1313G>C, p.Gly438Ala (NM_001284215.2, NM_001348316.2, NM_001348317.1 and 2 more transcripts); c.404G>C, p.Gly135Ala (NM_001284216.2); c.1352G>C, p.Gly451Ala (NM_001348332.1); c.1295G>C, p.Gly432Ala (NM_004238.3); short protein forms G135A, G432A, G438A, G451A, G480A.
Identifiers: ClinVar variation 3377748 (VCV003377748.1).
Genomic context (GRCh38, chr2:229,829,204, plus strand): 5'-CAGTTGGCTAATTATTGAGGGATTTCAGGGAAGGAACATTTTTACTTACTAGCTCCACTT[C>G]CAATTGTTCTATGGAAAAGCTGTGACATCCGAGGACCAAGAGGACCAAATAGGTGAGGGG-3'
Protein context (NP_001335252.1, residues 470-490): RMSQLFHRTI[Gly480Ala]SGASSKAQQL